The following is an entry in ClinVar:

NM_015226.3(CLEC16A):c.982C>A (p.Pro328Thr)

Gene: CLEC16A (C-type lectin domain containing 16A; plus strand). Cytogenetic location: 16p13.13.
Variant type: single nucleotide variant.
Coding change: c.982C>A on transcript NM_015226.3 (MANE Select); coding-DNA position 982, C replaced by A.
Protein change: p.Pro328Thr; replaces proline 328 with threonine.
Molecular consequence: missense variant.
Genome position (GRCh38, 1-based): chr16:10,982,902, C>A. VCF-style: chr16-10982902-C-A. GRCh37 (hg19) VCF-style: chr16-11076759-C-A.
Other names: c.976C>A, p.Pro326Thr (NM_001243403.2, NM_001410905.1); short protein forms P326T, P328T.
Identifiers: ClinVar variation 2646207 (VCV002646207.24), dbSNP rs1172084881, ClinGen allele CA394722884.

ClinVar aggregate classification (germline): Uncertain significance (1 of 4 stars; one submission).

Allele frequency attached by ClinVar (database versions not stated): TOPMed below 0.00001.

Submission:

CeGaT Center for Human Genetics Tuebingen
Classification: Uncertain significance. Last evaluated: 2022-10-01. Review status: criteria provided, single submitter. Criteria: CeGaT Center For Human Genetics Tuebingen Variant Classification Criteria Version 2. Collection method: clinical testing. Allele origin: germline. Affected: yes. Observed: 1 variant allele.
Comment: CLEC16A: PM2